The following is an entry in ClinVar:

NM_001754.5(RUNX1):c.801del (p.Met267fs)

Gene: RUNX1 (RUNX family transcription factor 1; minus strand). Cytogenetic location: 21q22.12.
Variant type: Deletion.
Coding change: c.801del on transcript NM_001754.5 (MANE Select); coding-DNA position 801, one base deleted (G; older notation c.801delG).
Protein change: p.Met267fs; shifts the reading frame from methionine 267.
Molecular consequence: frameshift variant.
Genome position (GRCh38, 1-based): chr21:34,834,414, C deleted on the plus strand (G on the coding strand, the reverse complement: RUNX1 is on the minus strand). VCF-style (leftmost placement, unchanged base first): chr21-34834413-GC-G. GRCh37 (hg19) VCF-style: chr21-36206710-GC-G.
Other names: NM_001754.5(RUNX1):c.801del; p.Met267fs; c.720del, p.Met240fs (NM_001001890.3, NM_001122607.2); short protein forms M240fs, M267fs.
Identifiers: ClinVar variation 3067798 (VCV003067798.22), dbSNP rs2517037655, ClinGen allele CA2825002847.

ClinVar aggregate classification (germline): Likely pathogenic. Review status: reviewed by expert panel (3 of 4 stars). 2 submissions from 2 submitters: Likely pathogenic (1). 1 of the submissions does not count toward it. Last evaluated 2025-01-15.

Conditions:
Hereditary thrombocytopenia and hematologic cancer predisposition syndrome. Identifiers: Orphanet 71290, MedGen CN281654, MONDO:0011071.

Submissions (2):

ClinGen Myeloid Malignancy Variant Curation Expert Panel
Classification: Likely pathogenic for Hereditary thrombocytopenia and hematologic cancer predisposition syndrome. Last evaluated: 2025-01-15. Review status: reviewed by expert panel. Criteria: ClinGen MyeloMalig ACMG Specifications v2. Collection method: curation. Allele origin: germline. Inheritance: Autosomal dominant inheritance.
Comment: NM_001754.5(RUNX1):c.801del (p.Met267IlefsTer?) is a frameshift variant which is not predicted to undergo NMD, and the truncated/altered region is critical for protein function (frameshift (-) c.759-c.1440 as per VCEP specifications) (PVS1_Strong). This variant is completely absent from all population databases with at least 20x coverage for RUNX1 (PM2_Supporting). This variant is a frameshift variant that is downstream of c.98 (PM5_Supporting). In summary, this variant meets criteria to be classified as likely pathogenic. ACMG/AMP criteria applied, as specified by the Myeloid Malignancy Variant Curation Expert Panel for RUNX1: PM2_supporting, PVS1_strong, PM5_supporting.

CeGaT Center for Human Genetics Tuebingen
Classification: Likely pathogenic. Last evaluated: 2024-07-01. Review status: criteria provided, single submitter. Criteria: CeGaT Center For Human Genetics Tuebingen Variant Classification Criteria Version 2. Collection method: clinical testing. Allele origin: germline. Affected: yes. Observed: 2 variant alleles. Not counted in ClinVar's aggregate classification.
Comment: RUNX1: PVS1:Strong, PM2